The following is an entry in ClinVar:

NM_198578.4(LRRK2):c.7328G>A (p.Arg2443Gln)

Gene: LRRK2 (leucine rich repeat kinase 2; plus strand). Cytogenetic location: 12q12.
Variant type: single nucleotide variant.
Coding change: c.7328G>A on transcript NM_198578.4 (MANE Select); coding-DNA position 7328, G replaced by A.
Protein change: p.Arg2443Gln; replaces arginine 2443 with glutamine.
Molecular consequence: missense variant.
Genome position (GRCh38, 1-based): chr12:40,364,988, G>A. VCF-style: chr12-40364988-G-A. GRCh37 (hg19) VCF-style: chr12-40758790-G-A.
Other names: short protein forms R2443Q.
Identifiers: ClinVar variation 1309739 (VCV001309739.29), dbSNP rs774151010, ClinGen allele CA6514899.

ClinVar aggregate classification (germline): Uncertain significance. Review status: criteria provided, multiple submitters, no conflicts (2 of 4 stars). 3 submissions from 3 submitters: Uncertain significance (3). Last evaluated 2024-10-15.

Conditions:
Autosomal dominant Parkinson disease 8. Also called: Parkinson disease 8, susceptibility to; LRRK2-Related Parkinson Disease; Parkinson disease 8. Identifiers: Orphanet 411602, MedGen C1846862, MONDO:0011764, OMIM 607060.

Allele frequency attached by ClinVar (database versions not stated): gnomAD 0.00001; TOPMed 0.00001; ExAC 0.00002.

Submissions (3):

Labcorp Genetics (formerly Invitae), Labcorp
Classification: Uncertain significance for Autosomal dominant Parkinson disease 8. Last evaluated: 2024-10-15. Review status: criteria provided, single submitter. Criteria: Invitae Variant Classification Sherloc (09022015). Collection method: clinical testing. Allele origin: germline.
Comment: This sequence change replaces arginine, which is basic and polar, with glutamine, which is neutral and polar, at codon 2443 of the LRRK2 protein (p.Arg2443Gln). This variant is present in population databases (rs774151010, gnomAD 0.006%). This missense change has been observed in individual(s) with Parkinson disease (PMID: 32707456). ClinVar contains an entry for this variant (Variation ID: 1309739). Invitae Evidence Modeling of protein sequence and biophysical properties (such as structural, functional, and spatial information, amino acid conservation, physicochemical variation, residue mobility, and thermodynamic stability) has been performed for this missense variant. However, the output from this modeling did not meet the statistical confidence thresholds required to predict the impact of this variant on LRRK2 protein function. In summary, the available evidence is currently insufficient to determine the role of this variant in disease. Therefore, it has been classified as a Variant of Uncertain Significance.

CeGaT Center for Human Genetics Tuebingen
Classification: Uncertain significance. Last evaluated: 2024-02-01. Review status: criteria provided, single submitter. Criteria: CeGaT Center For Human Genetics Tuebingen Variant Classification Criteria Version 2. Collection method: clinical testing. Allele origin: germline. Affected: yes. Observed: 1 variant allele.
Comment: LRRK2: PM2:Supporting, BP4

GeneDx
Classification: Uncertain significance. Last evaluated: 2019-10-29. Review status: criteria provided, single submitter. Criteria: GeneDx Variant Classification Process June 2021. Collection method: clinical testing. Allele origin: germline. Affected: yes.
Comment: Not observed at a significant frequency in large population cohorts (Lek et al., 2016); In silico analysis, which includes protein predictors and evolutionary conservation, supports that this variant does not alter protein structure/function; In addition, in-silico analysis, which includes splice predictors and evolutionary conservation, is inconclusive as to whether the variant alters gene splicing. In the absence of RNA/functional studies, the actual effect of this sequence change is unknown.; Has not been previously published as pathogenic or benign to our knowledge

Literature cited by the submitters: PubMed 32707456 (cited by Labcorp Genetics (formerly Invitae), Labcorp).